The following is an entry in ClinVar:

ClinVar aggregate classification (germline): Uncertain significance (1 of 4 stars; one submission).

Conditions:
Bethlem myopathy 1A. Also called: Bethlem Muscular Dystrophy; MYOPATHY, BENIGN CONGENITAL, WITH CONTRACTURES; Bethlem myopathy 1. Identifiers: Orphanet 610, MedGen CN029274, MONDO:0024530, OMIM 158810.

Allele frequency attached by ClinVar (database versions not stated): gnomAD exomes below 0.00001; ExAC 0.00001; gnomAD 0.00002; TOPMed 0.00002.
gnomAD v4.1: 7 of 1,613,888 alleles (0.00043%); highest among the groups gnomAD compares: African/African-American, 0.0013%; no homozygotes.

Submission:

Labcorp Genetics (formerly Invitae), Labcorp
Classification: Uncertain significance for Bethlem myopathy 1A. Last evaluated: 2024-12-20. Review status: criteria provided, single submitter. Criteria: Invitae Variant Classification Sherloc (09022015). Collection method: clinical testing. Allele origin: germline.
Comment: This sequence change replaces tyrosine, which is neutral and polar, with cysteine, which is neutral and slightly polar, at codon 2015 of the COL6A3 protein (p.Tyr2015Cys). This variant is present in population databases (rs768330671, gnomAD 0.0009%). This variant has not been reported in the literature in individuals affected with COL6A3-related conditions. ClinVar contains an entry for this variant (Variation ID: 1038621). Invitae Evidence Modeling of protein sequence and biophysical properties (such as structural, functional, and spatial information, amino acid conservation, physicochemical variation, residue mobility, and thermodynamic stability) has been performed for this missense variant. However, the output from this modeling did not meet the statistical confidence thresholds required to predict the impact of this variant on COL6A3 protein function. In summary, the available evidence is currently insufficient to determine the role of this variant in disease. Therefore, it has been classified as a Variant of Uncertain Significance.

NM_004369.4(COL6A3):c.6044A>G (p.Tyr2015Cys)

Gene: COL6A3 (collagen type VI alpha 3 chain; minus strand). Cytogenetic location: 2q37.3.
Variant type: single nucleotide variant.
Coding change: c.6044A>G on transcript NM_004369.4 (MANE Select); coding-DNA position 6044, A replaced by G.
Protein change: p.Tyr2015Cys; replaces tyrosine 2015 with cysteine.
Molecular consequence: missense variant.
Genome position (GRCh38, 1-based): chr2:237,363,272, T>C on the plus strand (A>G on the coding strand, the complement: COL6A3 is on the minus strand). VCF-style: chr2-237363272-T-C. GRCh37 (hg19) VCF-style: chr2-238271915-T-C.
Other names: c.4223A>G, p.Tyr1408Cys (NM_057166.5); c.5426A>G, p.Tyr1809Cys (NM_057167.4); short protein forms Y1809C, Y2015C, Y1408C.
Identifiers: ClinVar variation 1038621 (VCV001038621.9), dbSNP rs768330671, ClinGen allele CA2188494.